The following is an entry in ClinVar:

ClinVar aggregate classification (germline): Uncertain significance (1 of 4 stars; one submission).

Conditions:
Pityriasis rubra pilaris (PRP). Also called: Pityriasis rubra pilaris--familial type. Identifiers: Orphanet 2897, MedGen C0032027, MONDO:0100017, OMIM 173200, MONDO:0008251.
Psoriasis 2. Identifiers: MedGen C1864497, MONDO:0011269, OMIM 602723.

Allele frequency attached by ClinVar (database versions not stated): TOPMed below 0.00001.
gnomAD v4.1: 10 of 1,561,348 alleles (0.00064%); highest among the groups gnomAD compares: African/African-American, 0.0013%; no homozygotes.

Submission:

Labcorp Genetics (formerly Invitae), Labcorp
Classification: Uncertain significance for Pityriasis rubra pilaris; Psoriasis 2. Last evaluated: 2025-05-19. Review status: criteria provided, single submitter. Criteria: Invitae Variant Classification Sherloc (09022015). Collection method: clinical testing. Allele origin: germline.
Comment: This sequence change replaces alanine, which is neutral and non-polar, with valine, which is neutral and non-polar, at codon 963 of the CARD14 protein (p.Ala963Val). This variant is not present in population databases (gnomAD no frequency). This variant has not been reported in the literature in individuals affected with CARD14-related conditions. ClinVar contains an entry for this variant (Variation ID: 458103). Invitae Evidence Modeling of protein sequence and biophysical properties (such as structural, functional, and spatial information, amino acid conservation, physicochemical variation, residue mobility, and thermodynamic stability) indicates that this missense variant is not expected to disrupt CARD14 protein function with a negative predictive value of 95%. In summary, the available evidence is currently insufficient to determine the role of this variant in disease. Therefore, it has been classified as a Variant of Uncertain Significance.

NM_001366385.1(CARD14):c.2888C>T (p.Ala963Val)

Genes: SGSH (N-sulfoglucosamine sulfohydrolase; minus strand), CARD14 (caspase recruitment domain family member 14; plus strand). Cytogenetic location: 17q25.3.
Variant type: single nucleotide variant.
Coding change: c.2888C>T on transcript NM_001366385.1 (MANE Select); coding-DNA position 2888, C replaced by T.
Protein change: p.Ala963Val; replaces alanine 963 with valine.
Molecular consequence: missense variant. On other transcripts: non-coding transcript variant (1).
Genome position (GRCh38, 1-based): chr17:80,208,218, C>T. VCF-style: chr17-80208218-C-T. GRCh37 (hg19) VCF-style: chr17-78182017-C-T.
Other names: c.2888C>T, p.Ala963Val (NM_024110.4); short protein forms A963V.
Identifiers: ClinVar variation 458103 (VCV000458103.9), dbSNP rs1176488460, ClinGen allele CA401357291.